The following is an entry in ClinVar:

NC_000009.11:g.(?_367998)_(713484_?)dup

Genes: KANK1 (KN motif and ankyrin repeat domains 1; plus strand), DOCK8 (dedicator of cytokinesis 8; plus strand). Cytogenetic location: 9p24.3.
Variant type: Duplication.
Identifiers: ClinVar variation 2427724 (VCV002427724.7).

ClinVar aggregate classification (germline): Uncertain significance (1 of 4 stars; one submission).

Conditions:
Combined immunodeficiency due to DOCK8 deficiency (HIES2). Also called: HIES autosomal recessive; Hyper-IgE recurrent infection syndrome, autosomal recessive; DOCK8 Deficiency; HYPER-IgE RECURRENT INFECTION SYNDROME 2, AUTOSOMAL RECESSIVE; HYPER-IgE SYNDROME 2, AUTOSOMAL RECESSIVE, WITH RECURRENT INFECTIONS. Identifiers: Orphanet 217390, MedGen C4722305, MONDO:0009478, OMIM 243700.

Submission:

Labcorp Genetics (formerly Invitae), Labcorp
Classification: Uncertain significance for Combined immunodeficiency due to DOCK8 deficiency. Last evaluated: 2022-06-03. Review status: criteria provided, single submitter. Criteria: Invitae Variant Classification Sherloc (09022015). Collection method: clinical testing. Allele origin: germline.
Comment: This variant results in a copy number gain of the genomic region encompassing exon(s) 15-48 of the DOCK8 gene. This region includes the termination codon of the gene. This copy number gain extends beyond the assayed region for this gene and therefore may encompass additional genes. As the precise location of this event is unknown, it may be in tandem or it may be located elsewhere in the genome. This variant has not been reported in the literature in individuals affected with DOCK8-related conditions. Experimental studies and prediction algorithms are not available or were not evaluated, and the functional significance of this variant is currently unknown. In summary, the available evidence is currently insufficient to determine the role of this variant in disease. Therefore, it has been classified as a Variant of Uncertain Significance.